The following is an entry in ClinVar:

NM_003119.4(SPG7):c.1756G>C (p.Glu586Gln)

Gene: SPG7 (SPG7 matrix AAA peptidase subunit, paraplegin; plus strand). Cytogenetic location: 16q24.3.
Variant type: single nucleotide variant.
Coding change: c.1756G>C on transcript NM_003119.4 (MANE Select); coding-DNA position 1756, G replaced by C.
Protein change: p.Glu586Gln; replaces glutamic acid 586 with glutamine.
Molecular consequence: missense variant.
Genome position (GRCh38, 1-based): chr16:89,550,586, G>C. VCF-style: chr16-89550586-G-C. GRCh37 (hg19) VCF-style: chr16-89616994-G-C.
Other names: c.1756G>C, p.Glu586Gln (NM_001363850.1); short protein forms E586Q.
Identifiers: ClinVar variation 961633 (VCV000961633.9), dbSNP rs1035143808, ClinGen allele CA286565188.

ClinVar aggregate classification (germline): Uncertain significance (1 of 4 stars; one submission).

Conditions:
Hereditary spastic paraplegia 7 (SPG7). Also called: SPG7-related neurologic disorder; Spastic paraplegia 7; Hereditary spastic paraplegia Paraplegin type; Autosomal recessive spastic paraplegia type 7; SPASTIC PARAPLEGIA 7, AUTOSOMAL RECESSIVE, WITH OR WITHOUT CEREBELLAR ATAXIA. Identifiers: Orphanet 99013, MedGen C1846564, MONDO:0011803, OMIM 607259.

Allele frequency attached by ClinVar (database versions not stated): gnomAD exomes below 0.00001.
gnomAD v4.1: 1 of 1,613,604 alleles (0.000062%); highest among the groups gnomAD compares: Non-Finnish European, 0.000085%; no homozygotes.

Submission:

Labcorp Genetics (formerly Invitae), Labcorp
Classification: Uncertain significance for Hereditary spastic paraplegia 7. Last evaluated: 2019-11-07. Review status: criteria provided, single submitter. Criteria: Invitae Variant Classification Sherloc (09022015). Collection method: clinical testing. Allele origin: germline.
Comment: In summary, the available evidence is currently insufficient to determine the role of this variant in disease. Therefore, it has been classified as a Variant of Uncertain Significance. Algorithms developed to predict the effect of missense changes on protein structure and function are either unavailable or do not agree on the potential impact of this missense change (SIFT: "Tolerated"; PolyPhen-2: "Possibly Damaging"; Align-GVGD: "Class C0"). This variant has not been reported in the literature in individuals with SPG7-related conditions. This variant is not present in population databases (ExAC no frequency). This sequence change replaces glutamic acid with glutamine at codon 586 of the SPG7 protein (p.Glu586Gln). The glutamic acid residue is highly conserved and there is a small physicochemical difference between glutamic acid and glutamine.